The following is an entry in ClinVar:

NM_020693.4(DSCAML1):c.4137G>A (p.Leu1379=)

Gene: DSCAML1 (DS cell adhesion molecule like 1; minus strand). Cytogenetic location: 11q23.3.
Variant type: single nucleotide variant.
Coding change: c.4137G>A on transcript NM_020693.4 (MANE Select); coding-DNA position 4137, G replaced by A.
Protein change: p.Leu1379=; no amino-acid change (leucine 1379 retained).
Molecular consequence: synonymous variant.
Genome position (GRCh38, 1-based): chr11:117,439,273, C>T on the plus strand (G>A on the coding strand, the complement: DSCAML1 is on the minus strand). VCF-style: chr11-117439273-C-T. GRCh37 (hg19) VCF-style: chr11-117309989-C-T.
Other names: c.4317G>A (NM_020693.3).
Identifiers: ClinVar variation 1599285 (VCV001599285.11), dbSNP rs11216386, ClinGen allele CA6296487.

ClinVar aggregate classification (germline): Benign. Review status: criteria provided, multiple submitters, no conflicts (2 of 4 stars). 3 submissions from 3 submitters: Benign (2). 1 of the submissions does not count toward it. Last evaluated 2026-02-03.

Conditions:
DSCAML1-related disorder. Also called: DSCAML1-related condition.

Allele frequency attached by ClinVar (database versions not stated): gnomAD 0.15304 and 0.14555; TOPMed 0.16300; 1000 Genomes Project 0.25220; gnomAD exomes 0.11928 and 0.16851; ESP Exome Variant Server 0.12775; ExAC 0.16755; 1000 Genomes Project 30x 0.24313.
gnomAD v4.1: 199,404 of 1,613,770 alleles (12%); highest among the groups gnomAD compares: East Asian, 55%; 18,479 homozygotes.

Submissions (3):

Labcorp Genetics (formerly Invitae), Labcorp
Classification: Benign. Last evaluated: 2026-02-03. Review status: criteria provided, single submitter. Criteria: Invitae Variant Classification Sherloc (09022015). Collection method: clinical testing. Allele origin: germline.

Breakthrough Genomics
Classification: Benign. Review status: criteria provided, single submitter. Criteria: ACMG Guidelines, 2015. Collection method: not provided. Allele origin: germline. Inheritance: Unknown mechanism. Affected: yes.

PreventionGenetics, part of Exact Sciences
Classification: Benign for DSCAML1-related condition. Last evaluated: 2019-10-21. Review status: no assertion criteria provided. Collection method: clinical testing. Allele origin: germline. Not counted in ClinVar's aggregate classification.
Comment: This variant is classified as benign based on ACMG/AMP sequence variant interpretation guidelines (Richards et al. 2015 PMID: 25741868, with internal and published modifications).